The following is an entry in ClinVar:

ClinVar aggregate classification (germline): Uncertain significance (1 of 4 stars; one submission).

Conditions:
Dystonic disorder. Also called: Dystonia. Identifiers: MedGen C0013421, MONDO:0003441, HP:0001332.

Allele frequency attached by ClinVar (database versions not stated): gnomAD exomes below 0.00001; gnomAD 0.00001; ExAC 0.00002; TOPMed 0.00004; 1000 Genomes Project 30x 0.00016; 1000 Genomes Project 0.00020.
gnomAD v4.1: 3 of 1,604,658 alleles (0.00019%); highest among the groups gnomAD compares: Admixed American, 0.0017%; no homozygotes.

Submission:

Labcorp Genetics (formerly Invitae), Labcorp
Classification: Uncertain significance for Dystonic disorder. Last evaluated: 2023-05-27. Review status: criteria provided, single submitter. Criteria: Invitae Variant Classification Sherloc (09022015). Collection method: clinical testing. Allele origin: germline.
Comment: In summary, the available evidence is currently insufficient to determine the role of this variant in disease. Therefore, it has been classified as a Variant of Uncertain Significance. Variants that disrupt the consensus splice site are a relatively common cause of aberrant splicing (PMID: 17576681, 9536098). Algorithms developed to predict the effect of sequence changes on RNA splicing suggest that this variant is not likely to affect RNA splicing. This variant has not been reported in the literature in individuals affected with ANO3-related conditions. This variant is present in population databases (rs184286896, gnomAD 0.006%). This sequence change falls in intron 13 of the ANO3 gene. It does not directly change the encoded amino acid sequence of the ANO3 protein. It affects a nucleotide within the consensus splice site.

Literature cited by the submitters: PubMed 17576681; PubMed 9536098.

NM_031418.4(ANO3):c.1386+3G>A

Gene: ANO3 (anoctamin 3; plus strand). Cytogenetic location: 11p14.2.
Variant type: single nucleotide variant.
Coding change: c.1386+3G>A on transcript NM_031418.4 (MANE Select); 3 bases into the intron after coding-DNA position 1386, G replaced by A.
Molecular consequence: intron variant.
Genome position (GRCh38, 1-based): chr11:26,553,348, G>A. VCF-style: chr11-26553348-G-A. GRCh37 (hg19) VCF-style: chr11-26574895-G-A.
Other names: c.1569+3G>A (NM_001313726.2); c.948+3G>A (NM_001313727.2).
Identifiers: ClinVar variation 2742213 (VCV002742213.3), dbSNP rs184286896, ClinGen allele CA5925916.